The following is an entry in ClinVar:

NM_001379286.1(ZNF423):c.3374G>A (p.Cys1125Tyr)

Gene: ZNF423 (zinc finger protein 423; minus strand). Cytogenetic location: 16q12.1.
Variant type: single nucleotide variant.
Coding change: c.3374G>A on transcript NM_001379286.1 (MANE Select); coding-DNA position 3374, G replaced by A.
Protein change: p.Cys1125Tyr; replaces cysteine 1125 with tyrosine.
Molecular consequence: missense variant.
Genome position (GRCh38, 1-based): chr16:49,635,802, C>T on the plus strand (G>A on the coding strand, the complement: ZNF423 is on the minus strand). VCF-style: chr16-49635802-C-T. GRCh37 (hg19) VCF-style: chr16-49669713-C-T.
Other names: p.Cys1117Tyr; c.3170G>A, p.Cys1057Tyr (NM_001271620.2); c.2999G>A, p.Cys1000Tyr (NM_001330533.2); c.3350G>A, p.Cys1117Tyr (NM_015069.5); short protein forms C1000Y, C1057Y, C1117Y, C1125Y.
Identifiers: ClinVar variation 3380390 (VCV003380390.1).

ClinVar aggregate classification (germline): Uncertain significance (1 of 4 stars; one submission).

gnomAD v4.1: 1 of 1,611,352 alleles (0.000062%); highest among the groups gnomAD compares: African/African-American, 0.0013%; no homozygotes.

Submission:

Mayo Clinic Laboratories, Mayo Clinic
Classification: Uncertain significance. Last evaluated: 2023-10-10. Review status: criteria provided, single submitter. Criteria: ACMG Guidelines, 2015. Collection method: clinical testing. Allele origin: germline. Observed: 1 variant allele.
Comment: BP4, PM2